The following is an entry in ClinVar:

NM_022455.5(NSD1):c.2914A>G (p.Thr972Ala)

Gene: NSD1 (nuclear receptor binding SET domain protein 1; plus strand). Cytogenetic location: 5q35.3.
Variant type: single nucleotide variant.
Coding change: c.2914A>G on transcript NM_022455.5 (MANE Select); coding-DNA position 2914, A replaced by G.
Protein change: p.Thr972Ala; replaces threonine 972 with alanine.
Molecular consequence: missense variant.
Genome position (GRCh38, 1-based): chr5:177,211,313, A>G. VCF-style: chr5-177211313-A-G. GRCh37 (hg19) VCF-style: chr5-176638314-A-G.
Other names: c.2041A>G, p.Thr681Ala (NM_001365684.2, NM_001409306.1, NM_001409307.1 and 3 more transcripts); c.2914A>G, p.Thr972Ala (NM_001409301.1, NM_001409302.1, NM_001409303.1); c.2494A>G, p.Thr832Ala (NM_001409304.1); c.2161A>G, p.Thr721Ala (NM_001409305.1); short protein forms T703A, T832A, T721A, T681A, T972A.
Identifiers: ClinVar variation 2070024 (VCV002070024.5), dbSNP rs761374069, ClinGen allele CA3577331.
Genomic context (GRCh38, chr5:177,211,313, plus strand): 5'-GTCTCTAAGGTTTTGGTTTCAGGAGGCTCCACACACAATTCAGAGAAAAAGGGAGATGGC[A>G]CTCAGAACTCCGCCAATCCTAGCCCTAGTGGGGGTGACTCTGCATTATCTGGCGAGTTGT-3'
Protein context (NP_071900.2, residues 962-982): THNSEKKGDG[Thr972Ala]QNSANPSPSG

ClinVar aggregate classification (germline): Benign. Review status: criteria provided, multiple submitters, no conflicts (2 of 4 stars). 2 submissions from 2 submitters: Benign (2). Last evaluated 2025-12-08.

Conditions:
NSD1-related disorder. Also called: NSD1-related condition.

Allele frequency attached by ClinVar (database versions not stated): gnomAD 0.00002; TOPMed 0.00002; ExAC 0.00004.
gnomAD v4.1: 52 of 1,613,994 alleles (0.0032%); highest among the groups gnomAD compares: Admixed American, 0.012%; no homozygotes.

Submissions (2):

Labcorp Genetics (formerly Invitae), Labcorp
Classification: Benign. Last evaluated: 2025-12-08. Review status: criteria provided, single submitter. Criteria: Invitae Variant Classification Sherloc (09022015). Collection method: clinical testing. Allele origin: germline.

PreventionGenetics, part of Exact Sciences
Classification: Benign for NSD1-related condition. Last evaluated: 2025-05-31. Review status: criteria provided, single submitter. Criteria: ACMG Guidelines, 2015. Collection method: clinical testing. Allele origin: germline.
Comment: This variant is classified as benign based on ACMG/AMP sequence variant interpretation guidelines (Richards et al. 2015 PMID: 25741868, with internal and published modifications).